The following is an entry in ClinVar:

ClinVar aggregate classification (germline): Pathogenic (1 of 4 stars; one submission).

Conditions:
Neuropathy, hereditary sensory and autonomic, type 2A (HSAN2A). Also called: ACROOSTEOLYSIS, GIACCAI TYPE; ACROOSTEOLYSIS, NEUROGENIC; MORVAN DISEASE; NEUROPATHY, CONGENITAL SENSORY; NEUROPATHY, HEREDITARY SENSORY RADICULAR, AUTOSOMAL RECESSIVE; NEUROPATHY, HEREDITARY SENSORY, TYPE IIA. Identifiers: Orphanet 970, MedGen C2752089, MONDO:0024309, OMIM 201300.
Pseudohypoaldosteronism type 2C (PHA2C). Also called: Pseudohypoaldosteronism Type IIC. Identifiers: Orphanet 757, Orphanet 88940, MedGen C1840391, MONDO:0013778, OMIM 614492.

Submission:

Labcorp Genetics (formerly Invitae), Labcorp
Classification: Pathogenic for Neuropathy, hereditary sensory and autonomic, type 2A; Pseudohypoaldosteronism type 2C. Last evaluated: 2023-09-26. Review status: criteria provided, single submitter. Criteria: Invitae Variant Classification Sherloc (09022015). Collection method: clinical testing. Allele origin: germline.
Comment: For these reasons, this variant has been classified as Pathogenic. This variant has not been reported in the literature in individuals affected with WNK1-related conditions. This variant is not present in population databases (gnomAD no frequency). This sequence change creates a premature translational stop signal (p.Ser1147Valfs*51) in the WNK1 gene. It is expected to result in an absent or disrupted protein product. Loss-of-function variants in WNK1 are known to be pathogenic (PMID: 22910560).

Literature cited by the submitters: PubMed 22910560.

NM_213655.5(WNK1):c.3438del (p.Ser1147fs)

Gene: WNK1 (WNK lysine deficient protein kinase 1; plus strand). Cytogenetic location: 12p13.33.
Variant type: Deletion.
Coding change: c.3438del on transcript NM_213655.5 (MANE Plus Clinical); coding-DNA position 3438, one base deleted (C; older notation c.3438delC).
Protein change: p.Ser1147fs; shifts the reading frame from serine 1147.
Molecular consequence: frameshift variant. On other transcripts: intron variant (2).
Genome position (GRCh38, 1-based): chr12:868,909, C deleted; the last of 4 consecutive C bases (chr12:868,906-868,909); deleting any one gives the same sequence. VCF-style (leftmost placement, unchanged base first): chr12-868905-AC-A. GRCh37 (hg19) VCF-style: chr12-978071-AC-A.
Other names: c.3183del, p.Ser1062fs (NM_001184985.2); c.2140-2356del (NM_018979.4, NM_014823.3); short protein forms S1147fs, S1062fs.
Identifiers: ClinVar variation 2939328 (VCV002939328.3), dbSNP rs2548804201, ClinGen allele CA2617007403.